The following is an entry in ClinVar:

ClinVar aggregate classification (germline): Uncertain significance. Review status: criteria provided, multiple submitters, no conflicts (2 of 4 stars). 2 submissions from 2 submitters: Uncertain significance (2). Last evaluated 2025-01-29.

Allele frequency attached by ClinVar (database versions not stated): gnomAD exomes below 0.00001; ExAC 0.00001.
gnomAD v4.1: 7 of 1,614,054 alleles (0.00043%); highest among the groups gnomAD compares: Admixed American, 0.0033%; no homozygotes.

Submissions (2):

Labcorp Genetics (formerly Invitae), Labcorp
Classification: Uncertain significance. Last evaluated: 2025-01-29. Review status: criteria provided, single submitter. Criteria: Invitae Variant Classification Sherloc (09022015). Collection method: clinical testing. Allele origin: germline.
Comment: This sequence change replaces aspartic acid, which is acidic and polar, with asparagine, which is neutral and polar, at codon 9 of the TAB2 protein (p.Asp9Asn). This variant is present in population databases (rs757640903, gnomAD 0.006%). This missense change has been observed in individual(s) with clinical features of TAB2-related conditions (PMID: 36229919). ClinVar contains an entry for this variant (Variation ID: 1908034). Invitae Evidence Modeling of protein sequence and biophysical properties (such as structural, functional, and spatial information, amino acid conservation, physicochemical variation, residue mobility, and thermodynamic stability) indicates that this missense variant is not expected to disrupt TAB2 protein function with a negative predictive value of 80%. Experimental studies have shown that this missense change affects TAB2 function (PMID: 36229919). In summary, the available evidence is currently insufficient to determine the role of this variant in disease. Therefore, it has been classified as a Variant of Uncertain Significance.

GeneDx
Classification: Uncertain significance. Last evaluated: 2024-01-17. Review status: criteria provided, single submitter. Criteria: GeneDx Variant Classification Process June 2021. Collection method: clinical testing. Allele origin: germline. Affected: yes.
Comment: Not observed at significant frequency in large population cohorts (gnomAD); In silico analysis supports that this missense variant does not alter protein structure/function; This variant is associated with the following publications: (PMID: 36229919)

Literature cited by the submitters: PubMed 36229919 (cited by Labcorp Genetics (formerly Invitae), Labcorp).

NM_001292034.3(TAB2):c.25G>A (p.Asp9Asn)

Gene: TAB2 (TGF-beta activated kinase 1 (MAP3K7) binding protein 2; plus strand). Cytogenetic location: 6q25.1.
Variant type: single nucleotide variant.
Coding change: c.25G>A on transcript NM_001292034.3 (MANE Select); coding-DNA position 25, G replaced by A.
Protein change: p.Asp9Asn; replaces aspartic acid 9 with asparagine.
Molecular consequence: missense variant. On other transcripts: intron variant (1).
Genome position (GRCh38, 1-based): chr6:149,370,022, G>A. VCF-style: chr6-149370022-G-A. GRCh37 (hg19) VCF-style: chr6-149691158-G-A.
Other names: c.25G>A (NM_015093.4); c.25G>A, p.Asp9Asn (NM_001369506.1, NM_015093.6); c.7-7996G>A (NM_001292035.3); short protein forms D9N.
Identifiers: ClinVar variation 1908034 (VCV001908034.6), dbSNP rs757640903, ClinGen allele CA4041329.